The following is an entry in ClinVar:

ClinVar aggregate classification (germline): Likely benign (1 of 4 stars; one submission).

gnomAD v4.1: 269 of 1,543,886 alleles (0.017%); highest among the groups gnomAD compares: Non-Finnish European, 0.022%; no homozygotes.

Submission:

CeGaT Center for Human Genetics Tuebingen
Classification: Likely benign. Last evaluated: 2026-08-01. Review status: criteria provided, single submitter. Criteria: CeGaT Center For Human Genetics Tuebingen Variant Classification Criteria Version 2. Collection method: clinical testing. Allele origin: germline. Affected: yes. Observed: 1 variant allele.
Comment: FBXO28: BP4

NM_015176.4(FBXO28):c.22C>T (p.Arg8Trp)

Genes: FBXO28 (F-box protein 28; plus strand), LOC129932579 (ATAC-STARR-seq lymphoblastoid active region 2598; plus strand). Cytogenetic location: 1q42.11.
Variant type: single nucleotide variant.
Coding change: c.22C>T on transcript NM_015176.4 (MANE Select); coding-DNA position 22, C replaced by T.
Protein change: p.Arg8Trp; replaces arginine 8 with tryptophan.
Molecular consequence: missense variant. On other transcripts: non-coding transcript variant (1).
Genome position (GRCh38, 1-based): chr1:224,114,151, C>T. VCF-style: chr1-224114151-C-T. GRCh37 (hg19) VCF-style: chr1-224301853-C-T.
Other names: c.22C>T, p.Arg8Trp (NM_001136115.3); short protein forms R8W.
Identifiers: ClinVar variation 5038728 (VCV005038728.1).
Genomic context (GRCh38, chr1:224,114,151, plus strand): 5'-GTTCCCCTTGCTGTGGGGGTAAGGAATCAAGCCCCCAAGATGGCGGCAGCGGCGGAGGAG[C>T]GGATGGCAGAGGAAGGAGGCGGCGGCCAAGGCGACGGCGGTTCCTCTTTGGCCTCCGGCT-3'
Protein context (NP_055991.1, residues 1-18): MAAAAEE[Arg8Trp]MAEEGGGGQG